The following is an entry in ClinVar:

NM_006506.5(RASA2):c.1827T>G (p.Gly609=)

Gene: RASA2 (RAS p21 protein activator 2; plus strand). Cytogenetic location: 3q23.
Variant type: single nucleotide variant.
Coding change: c.1827T>G on transcript NM_006506.5 (MANE Select); coding-DNA position 1827, T replaced by G.
Protein change: p.Gly609=; no amino-acid change (glycine 609 retained).
Molecular consequence: synonymous variant.
Genome position (GRCh38, 1-based): chr3:141,586,646, T>G. VCF-style: chr3-141586646-T-G. GRCh37 (hg19) VCF-style: chr3-141305488-T-G.
Other names: c.1827T>G, p.Gly609= (NM_001303245.3, NM_001303246.3).
Identifiers: ClinVar variation 3430499 (VCV003430499.2).

ClinVar aggregate classification (germline): Conflicting classifications of pathogenicity. Review status: criteria provided, conflicting classifications (1 of 4 stars). 2 submissions from 2 submitters: Uncertain significance (1); Likely benign (1). Last evaluated 2025-05-18.

gnomAD v4.1: 30 of 1,589,088 alleles (0.0019%); highest among the groups gnomAD compares: South Asian, 0.0033%; no homozygotes.

Submissions (2):

Labcorp Genetics (formerly Invitae), Labcorp
Classification: Uncertain significance. Last evaluated: 2025-05-18. Review status: criteria provided, single submitter. Criteria: Invitae Variant Classification Sherloc (09022015). Collection method: clinical testing. Allele origin: germline.
Comment: This sequence change affects codon 609 of the RASA2 mRNA. It is a 'silent' change, meaning that it does not change the encoded amino acid sequence of the RASA2 protein. It affects a nucleotide within the consensus splice site. This variant is not present in population databases (gnomAD no frequency). This variant has not been reported in the literature in individuals affected with RASA2-related conditions. ClinVar contains an entry for this variant (Variation ID: 3430499). Algorithms developed to predict the effect of sequence changes on RNA splicing suggest that this variant is not likely to affect RNA splicing. In summary, the available evidence is currently insufficient to determine the role of this variant in disease. Therefore, it has been classified as a Variant of Uncertain Significance.

Ambry Genetics
Classification: Likely benign. Last evaluated: 2024-11-13. Review status: criteria provided, single submitter. Criteria: Ambry Variant Classification Scheme 2023. Collection method: clinical testing. Allele origin: germline.